The following is an entry in ClinVar:

NM_001003694.2(BRPF1):c.3320C>T (p.Ala1107Val)

Gene: BRPF1 (bromodomain and PHD finger containing 1; plus strand). Cytogenetic location: 3p25.3.
Variant type: single nucleotide variant.
Coding change: c.3320C>T on transcript NM_001003694.2 (MANE Select); coding-DNA position 3320, C replaced by T.
Protein change: p.Ala1107Val; replaces alanine 1107 with valine.
Molecular consequence: missense variant. On other transcripts: non-coding transcript variant (1).
Genome position (GRCh38, 1-based): chr3:9,745,926, C>T. VCF-style: chr3-9745926-C-T. GRCh37 (hg19) VCF-style: chr3-9787610-C-T.
Other names: c.3017C>T, p.Ala1006Val (NM_001319049.2); c.3299C>T, p.Ala1100Val (NM_001319050.2); c.3317C>T, p.Ala1106Val (NM_001410704.1); c.3302C>T, p.Ala1101Val (NM_004634.3); short protein forms A1006V, A1100V, A1101V, A1106V, A1107V.
Identifiers: ClinVar variation 3573834 (VCV003573834.1).

ClinVar aggregate classification (germline): Uncertain significance (1 of 4 stars; one submission).

Submission:

GeneDx
Classification: Uncertain significance. Last evaluated: 2024-07-16. Review status: criteria provided, single submitter. Criteria: GeneDx Variant Classification Process June 2021. Collection method: clinical testing. Allele origin: germline. Affected: yes.
Comment: Not observed at significant frequency in large population cohorts (gnomAD); In silico analysis supports that this missense variant has a deleterious effect on protein structure/function; Has not been previously published as pathogenic or benign to our knowledge